The following is an entry in ClinVar:

ClinVar aggregate classification (germline): Likely pathogenic (1 of 4 stars; one submission).

Submission:

Labcorp Genetics (formerly Invitae), Labcorp
Classification: Likely pathogenic. Last evaluated: 2023-05-12. Review status: criteria provided, single submitter. Criteria: Invitae Variant Classification Sherloc (09022015). Collection method: clinical testing. Allele origin: unknown.
Comment: In summary, the currently available evidence indicates that the variant is pathogenic, but additional data are needed to prove that conclusively. Therefore, this variant has been classified as Likely Pathogenic. This variant has not been reported in the literature in individuals affected with ADAMTS17-related conditions. This variant results in a copy number gain of the genomic region encompassing exon(s) 12 of the ADAMTS17 gene. While the exact position of this variant cannot be determined from the data, sub-genic copy number gains are generally in tandem (PMID: 25640679). This variant is predicted to be out-of-frame, and may result in an absent or disrupted protein product. Loss-of-function variants in ADAMTS17 are known to be pathogenic (PMID: 19836009, 24940034).

Literature cited by the submitters: PubMed 25640679; PubMed 19836009; PubMed 24940034.

NC_000015.9:g.(?_100672192)_(100672377_?)dup

Gene: ADAMTS17 (ADAM metallopeptidase with thrombospondin type 1 motif 17; minus strand). Cytogenetic location: 15q26.3.
Variant type: Duplication.
Identifiers: ClinVar variation 3243918 (VCV003243918.1).